The following is an entry in ClinVar:

ClinVar aggregate classification (germline): Likely pathogenic (1 of 4 stars; one submission).

Conditions:
Ocular albinism, type I (OA1). Also called: Ocular Albinism type 1; X-linked recessive ocular albinism; NETTLESHIP-FALLS TYPE OCULAR ALBINISM; Ocular albinism, type I, Nettleship-Falls type. Identifiers: Orphanet 54, MedGen C0342684, MONDO:0021019, OMIM 300500.

Submission:

3billion
Classification: Likely pathogenic for Ocular albinism, type I. Last evaluated: 2022-05-22. Review status: criteria provided, single submitter. Criteria: ACMG Guidelines, 2015. Collection method: clinical testing. Allele origin: germline. Affected: yes. Observed: 1 hemizygote.
Comment: The variant is not observed in the gnomAD v2.1.1 dataset. Canonical splice site: predicted to alter splicing and result in a loss or disruption of normal protein function. Multiple pathogenic loss-of-function variants are reported downstream of the variant. Therefore, this variant is classified as likely pathogenic according to the recommendation of ACMG/AMP guideline.

NM_000273.3(GPR143):c.456-5_463del

Gene: GPR143 (G protein-coupled receptor 143; minus strand). Cytogenetic location: Xp22.2.
Variant type: Deletion.
Coding change: c.456-5_463del on transcript NM_000273.3 (MANE Select); 5 bases into the intron before coding-DNA position 456 through coding-DNA position 463, 13 bases deleted (CCTAGCACCATCC).
Molecular consequence: splice acceptor variant.
Genome position (GRCh38, 1-based): chrX:9,748,659-9,748,671, GGATGGTGCTAGG deleted on the plus strand (CCTAGCACCATCC on the coding strand, the reverse complement: GPR143 is on the minus strand); deleting any 13 consecutive bases within chrX:9,748,659-9,748,674 gives the same sequence; the c. name uses the placement nearest the transcript's 3' end. VCF-style (leftmost placement, unchanged base first): chrX-9748658-AGGATGGTGCTAGG-A. GRCh37 (hg19) VCF-style: chrX-9716698-AGGATGGTGCTAGG-A.
Identifiers: ClinVar variation 1687233 (VCV001687233.1), dbSNP rs2146691632, ClinGen allele CA2573159524.